The following is an entry in ClinVar:

ClinVar aggregate classification (germline): Likely benign. Review status: criteria provided, multiple submitters, no conflicts (2 of 4 stars). 2 submissions from 2 submitters: Likely benign (2). Last evaluated 2026-08-01.

Conditions:
Brown-Vialetto-van Laere syndrome 1. Also called: BROWN-VIALETTO-VAN LAERE SYNDROME 1, MILD; BULBAR PALSY, PROGRESSIVE, WITH SENSORINEURAL DEAFNESS; PONTOBULBAR PALSY WITH DEAFNESS. Identifiers: Orphanet 572550, Orphanet 97229, MedGen C0796274, MONDO:0024537, OMIM 211530.

Allele frequency attached by ClinVar (database versions not stated): gnomAD exomes 0.00002 and 0.00001; gnomAD 0.00001; ESP Exome Variant Server 0.00008; TOPMed 0.00001; ExAC 0.00002.
gnomAD v4.1: 16 of 1,614,094 alleles (0.00099%); highest among the groups gnomAD compares: South Asian, 0.0055%; no homozygotes.

Submissions (2):

CeGaT Center for Human Genetics Tuebingen
Classification: Likely benign. Last evaluated: 2026-08-01. Review status: criteria provided, single submitter. Criteria: CeGaT Center For Human Genetics Tuebingen Variant Classification Criteria Version 2. Collection method: clinical testing. Allele origin: germline. Affected: yes. Observed: 1 variant allele.
Comment: SLC52A3: BP4, BP7

Labcorp Genetics (formerly Invitae), Labcorp
Classification: Likely benign for Brown-Vialetto-van Laere syndrome 1. Last evaluated: 2018-03-09. Review status: criteria provided, single submitter. Criteria: Invitae Variant Classification Sherloc (09022015). Collection method: clinical testing. Allele origin: germline.

NM_033409.4(SLC52A3):c.954G>A (p.Leu318=)

Gene: SLC52A3 (solute carrier family 52 member 3; minus strand). Cytogenetic location: 20p13.
Variant type: single nucleotide variant.
Coding change: c.954G>A on transcript NM_033409.4 (MANE Select); coding-DNA position 954, G replaced by A.
Protein change: p.Leu318=; no amino-acid change (leucine 318 retained).
Molecular consequence: synonymous variant.
Genome position (GRCh38, 1-based): chr20:763,617, C>T on the plus strand (G>A on the coding strand, the complement: SLC52A3 is on the minus strand). VCF-style: chr20-763617-C-T. GRCh37 (hg19) VCF-style: chr20-744261-C-T.
Other names: c.954G>A, p.Leu318= (NM_001370085.1, NM_001370086.1).
Identifiers: ClinVar variation 753039 (VCV000753039.11), dbSNP rs147508914, ClinGen allele CA9724642.